The following is an entry in ClinVar:

ClinVar aggregate classification (germline): Likely benign. Review status: reviewed by expert panel (3 of 4 stars). 5 submissions from 5 submitters: Likely benign (1). 4 of the submissions do not count toward it. Last evaluated 2025-02-18.

Conditions:
Glanzmann thrombasthenia. Also called: THROMBASTHENIA OF GLANZMANN AND NAEGELI; Thrombasthenia; PLATELET GLYCOPROTEIN IIb-IIIa DEFICIENCY; Glanzmann's thrombasthenia. Identifiers: Orphanet 849, MedGen C0040015, MONDO:0100326.

Allele frequency attached by ClinVar (database versions not stated): ExAC 0.00010; gnomAD exomes 0.00013 and 0.00030; gnomAD 0.00015 and 0.00016; TOPMed 0.00017; ESP Exome Variant Server 0.00031.
gnomAD v4.1: 462 of 1,614,018 alleles (0.029%); highest among the groups gnomAD compares: Non-Finnish European, 0.037%; no homozygotes.

Submissions (5):

ClinGen Platelet Disorders Variant Curation Expert Panel, ClinGen
Classification: Likely benign for Glanzmann thrombasthenia. Last evaluated: 2025-02-18. Review status: reviewed by expert panel. Criteria: ClinGen Platelet ACMG Specifications v2-1. Collection method: curation. Allele origin: germline. Inheritance: Autosomal recessive inheritance.
Comment: The NM_000419.5(ITGA2B):c.2348+15G>A variant is an intronic variant that is not predicted by SpliceAI to impact splicing (Delta scores <0.03). In addition, it occurs at a nucleotide that is not conserved as shown by phyloP score of -1.96 (BP7). The highest population minor allele frequency in gnomAD v4.0.0 is 0.0003737 (441/1179990 alleles) in the European (non-Finnish) population. This intermediate allele frequency is lower than the ClinGen PD VCEP threshold (>0.00158) for BS1 but higher than the threshold (<0.0001) for PM2_Supporting. In summary this variant is classified as likely benign for autosomal recessive Glanzmann thrombasthenia, with ACMG criteria applied as specified by the PD VCEP: BP4, BP7

Labcorp Genetics (formerly Invitae), Labcorp
Classification: Likely benign for Glanzmann thrombasthenia. Last evaluated: 2025-07-03. Review status: criteria provided, single submitter. Criteria: Invitae Variant Classification Sherloc (09022015). Collection method: clinical testing. Allele origin: germline. Not counted in ClinVar's aggregate classification.

Women's Health and Genetics/Laboratory Corporation of America, LabCorp
Classification: Likely benign. Last evaluated: 2025-04-22. Review status: criteria provided, single submitter. Criteria: LabCorp Variant Classification Summary - May 2015. Collection method: clinical testing. Allele origin: germline. Not counted in ClinVar's aggregate classification.

Blueprint Genetics
Classification: Likely benign. Last evaluated: 2024-10-09. Review status: criteria provided, single submitter. Criteria: ACMG Guidelines, 2015. Collection method: clinical testing. Allele origin: germline. Not counted in ClinVar's aggregate classification.

Illumina Laboratory Services, Illumina
Classification: Uncertain significance for Glanzmann thrombasthenia 1. Last evaluated: 2018-01-13. Review status: criteria provided, single submitter. Criteria: ICSL Variant Classification Criteria 13 December 2019. Collection method: clinical testing. Allele origin: germline. Not counted in ClinVar's aggregate classification.

NM_000419.5(ITGA2B):c.2348+15G>A

Gene: ITGA2B (integrin subunit alpha 2b; minus strand). Cytogenetic location: 17q21.31.
Variant type: single nucleotide variant.
Coding change: c.2348+15G>A on transcript NM_000419.5 (MANE Select); 15 bases into the intron after coding-DNA position 2348, G replaced by A.
Molecular consequence: intron variant.
Genome position (GRCh38, 1-based): chr17:44,376,293, C>T on the plus strand (G>A on the coding strand, the complement: ITGA2B is on the minus strand). VCF-style: chr17-44376293-C-T. GRCh37 (hg19) VCF-style: chr17-42453661-C-T.
Identifiers: ClinVar variation 890528 (VCV000890528.13), dbSNP rs200571001, ClinGen allele CA8602722.